The following is an entry in ClinVar:

NM_000256.3(MYBPC3):c.852-6C>T

Gene: MYBPC3 (myosin binding protein C3; minus strand). Cytogenetic location: 11p11.2.
Variant type: single nucleotide variant.
Coding change: c.852-6C>T on transcript NM_000256.3 (MANE Select); 6 bases into the intron before coding-DNA position 852, C replaced by T.
Molecular consequence: intron variant.
Genome position (GRCh38, 1-based): chr11:47,347,485, G>A on the plus strand (C>T on the coding strand, the complement: MYBPC3 is on the minus strand). VCF-style: chr11-47347485-G-A. GRCh37 (hg19) VCF-style: chr11-47369036-G-A.
Identifiers: ClinVar variation 42799 (VCV000042799.10), dbSNP rs397516078, ClinGen allele CA015981.

ClinVar aggregate classification (germline): Uncertain significance. Review status: criteria provided, multiple submitters, no conflicts (2 of 4 stars). 3 submissions from 3 submitters: Uncertain significance (3). Last evaluated 2023-11-02.

Conditions:
Cardiomyopathy (CMYO). Also called: Cardiomyopathies. Identifiers: Orphanet 167848, MedGen C0878544, MONDO:0004994, HP:0001638. Inheritance: Various modes of inheritance.
Hypertrophic cardiomyopathy. Also called: HYPERTROPHIC MYOCARDIOPATHY. Identifiers: Orphanet 217569, MedGen C0007194, MeSH D002312, MONDO:0005045, HP:0001639.

Allele frequency attached by ClinVar (database versions not stated): gnomAD 0.00001; ExAC 0.00002; gnomAD exomes 0.00001 and below 0.00001; TOPMed 0.00002.
gnomAD v4.1: 4 of 1,596,136 alleles (0.00025%); highest among the groups gnomAD compares: African/African-American, 0.0027%; no homozygotes.

Submissions (3):

All of Us Research Program, National Institutes of Health
Classification: Uncertain significance for Hypertrophic cardiomyopathy. Last evaluated: 2023-11-02. Review status: criteria provided, single submitter. Criteria: ACMG Guidelines, 2015. Collection method: clinical testing. Allele origin: germline. Inheritance: Autosomal dominant inheritance. Observed: 1 variant allele, 1 heterozygote.
Comment: This variant causes a C to T nucleotide substitution at the -6 position of intron 8 of the MYBPC3 gene. To our knowledge, functional studies have not been reported for this variant. This variant has not been reported in individuals affected with MYBPC3-related disorders in the literature. This variant has been identified in 2/221252 chromosomes in the general population by the Genome Aggregation Database (gnomAD). The available evidence is insufficient to determine the role of this variant in disease conclusively. Therefore, this variant is classified as a Variant of Uncertain Significance.

This study involves interpretation of variants in research participants for the purpose of population health screening. Participant phenotype was not available at the time of variant classification. Additional details can be found in publication PMID: 35346344, PMCID: PMC8962531

Color Diagnostics, LLC DBA Color Health
Classification: Uncertain significance for Cardiomyopathy. Last evaluated: 2023-10-19. Review status: criteria provided, single submitter. Criteria: ACMG Guidelines, 2015. Collection method: clinical testing. Allele origin: germline.
Comment: This variant causes a C to T nucleotide substitution at the -6 position of intron 8 of the MYBPC3 gene. To our knowledge, functional studies have not been reported for this variant. This variant has not been reported in individuals affected with MYBPC3-related disorders in the literature. This variant has been identified in 2/221252 chromosomes in the general population by the Genome Aggregation Database (gnomAD). The available evidence is insufficient to determine the role of this variant in disease conclusively. Therefore, this variant is classified as a Variant of Uncertain Significance.

Laboratory for Molecular Medicine, Mass General Brigham Personalized Medicine
Classification: Uncertain significance. Last evaluated: 2010-05-05. Review status: criteria provided, single submitter. Criteria: LMM Criteria. Collection method: clinical testing. Allele origin: germline. Observed: 1 variant allele.